The following is an entry in ClinVar:

NM_001393504.1(MAST3):c.3107A>G (p.Asn1036Ser)

Gene: MAST3 (microtubule associated serine/threonine kinase 3; plus strand). Cytogenetic location: 19p13.11.
Variant type: single nucleotide variant.
Coding change: c.3107A>G on transcript NM_001393504.1 (MANE Select); coding-DNA position 3107, A replaced by G.
Protein change: p.Asn1036Ser; replaces asparagine 1036 with serine.
Molecular consequence: missense variant.
Genome position (GRCh38, 1-based): chr19:18,145,810, A>G. VCF-style: chr19-18145810-A-G. GRCh37 (hg19) VCF-style: chr19-18256620-A-G.
Other names: c.2993A>G, p.Asn998Ser (NM_001393521.1); c.3020A>G, p.Asn1007Ser (NM_015016.2, NM_001393514.1); c.3110A>G, p.Asn1037Ser (NM_001393502.1); c.3107A>G, p.Asn1036Ser (NM_001393503.1); c.3104A>G, p.Asn1035Ser (NM_001393505.1); c.3059A>G, p.Asn1020Ser (NM_001393506.1, NM_001393513.1); c.3086A>G, p.Asn1029Ser (NM_001393507.1); c.3041A>G, p.Asn1014Ser (NM_001393508.1, NM_001393516.1); and 4 more; short protein forms N1006S, N1007S, N1012S, N1013S, N1014S, N1020S, N1029S, N1035S.
Identifiers: ClinVar variation 4886099 (VCV004886099.2).

ClinVar aggregate classification (germline): Uncertain significance (1 of 4 stars; one submission).

gnomAD v4.1: 6 of 1,593,692 alleles (0.00038%); highest among the groups gnomAD compares: Admixed American, 0.0018%; no homozygotes.

Submission:

Dasa
Classification: Uncertain significance. Last evaluated: 2026-01-08. Review status: criteria provided, single submitter. Criteria: DASA Assertion Criteria. Collection method: clinical testing. Allele origin: germline.
Comment: NM_001393504.1(MAST3):c.3107A>G (p.Asn1036Ser) is a missense variant that results in the substitution of asparagine with serine. This variant is rare in population databases. The currently available literature and clinical evidence are not sufficient to establish a definitive association between this variant and the reported condition. Therefore, this variant is classified as a variant of uncertain significance.